The following is an entry in ClinVar:

NM_001009944.3(PKD1):c.6819C>G (p.Asp2273Glu)

Gene: PKD1 (polycystin 1, transient receptor potential channel interacting; minus strand). Cytogenetic location: 16p13.3.
Variant type: single nucleotide variant.
Coding change: c.6819C>G on transcript NM_001009944.3 (MANE Select); coding-DNA position 6819, C replaced by G.
Protein change: p.Asp2273Glu; replaces aspartic acid 2273 with glutamic acid.
Molecular consequence: missense variant.
Genome position (GRCh38, 1-based): chr16:2,108,348, G>C on the plus strand (C>G on the coding strand, the complement: PKD1 is on the minus strand). VCF-style: chr16-2108348-G-C. GRCh37 (hg19) VCF-style: chr16-2158349-G-C.
Other names: c.6819C>G (NM_000296.3); c.6819C>G, p.Asp2273Glu (NM_000296.4); short protein forms D2273E.
Identifiers: ClinVar variation 1206567 (VCV001206567.5), dbSNP rs372298966, ClinGen allele CA7831442.

ClinVar aggregate classification (germline): Uncertain significance. Review status: criteria provided, multiple submitters, no conflicts (2 of 4 stars). 3 submissions from 3 submitters: Uncertain significance (3). Last evaluated 2026-03-29.

Conditions:
PKD1-related disorder. Also called: PKD1-related condition.
Inborn genetic diseases. Identifiers: MedGen C0950123, MeSH D030342.

Allele frequency attached by ClinVar (database versions not stated): ExAC 0.00004; ESP Exome Variant Server 0.00008; gnomAD 0.00012 and 0.00013; 1000 Genomes Project 30x 0.00047; 1000 Genomes Project 0.00060.
gnomAD v4.1: 64 of 1,609,166 alleles (0.004%); highest among the groups gnomAD compares: African/African-American, 0.047%; no homozygotes.

Submissions (3):

PreventionGenetics, part of Exact Sciences
Classification: Uncertain significance for PKD1-related condition. Last evaluated: 2026-03-29. Review status: criteria provided, single submitter. Criteria: ACMG Guidelines, 2015. Collection method: clinical testing. Allele origin: germline.
Comment: The PKD1 c.6819C>G variant is predicted to result in the amino acid substitution p.Asp2273Glu. To our knowledge, this variant has not been reported in the literature. This variant is reported in 0.024% of alleles in individuals of African descent in gnomAD, which is likely too common for an undocumented disease-causing variant. Although we suspect that this variant may be benign, at this time, the clinical significance of this variant is uncertain due to the absence of conclusive functional and genetic evidence.

Ambry Genetics
Classification: Uncertain significance for Inborn genetic diseases. Last evaluated: 2025-08-09. Review status: criteria provided, single submitter. Criteria: Ambry Variant Classification Scheme 2023. Collection method: clinical testing. Allele origin: germline.

GeneDx
Classification: Uncertain significance. Last evaluated: 2019-12-30. Review status: criteria provided, single submitter. Criteria: GeneDx Variant Classification Process June 2021. Collection method: clinical testing. Allele origin: germline. Affected: yes.
Comment: In silico analysis, which includes protein predictors and evolutionary conservation, supports that this variant does not alter protein structure/function; Has not been previously published as pathogenic or benign to our knowledge